The following is an entry in ClinVar:

ClinVar aggregate classification (germline): Benign/Likely benign. Review status: criteria provided, multiple submitters, no conflicts (2 of 4 stars). 4 submissions from 4 submitters: Benign (1); Likely benign (1). 2 of the submissions do not count toward it. Last evaluated 2026-01-26.

Conditions:
Hereditary acrodermatitis enteropathica (AEZ). Also called: Acrodermatitis enteropathica. Identifiers: Orphanet 37, MedGen C0221036, MONDO:0008713, OMIM 201100.
SLC39A4-related disorder. Also called: SLC39A4-related condition.

Allele frequency attached by ClinVar (database versions not stated): gnomAD 0.00003; TOPMed 0.00007; ESP Exome Variant Server 0.00016; ExAC 0.00085; 1000 Genomes Project 0.00120; 1000 Genomes Project 30x 0.00141.

Submissions (4):

Labcorp Genetics (formerly Invitae), Labcorp
Classification: Benign. Last evaluated: 2026-01-26. Review status: criteria provided, single submitter. Criteria: Invitae Variant Classification Sherloc (09022015). Collection method: clinical testing. Allele origin: germline.

Blueprint Genetics
Classification: Likely benign. Last evaluated: 2022-10-24. Review status: criteria provided, single submitter. Criteria: ACMG Guidelines, 2015. Collection method: clinical testing. Allele origin: germline.

PreventionGenetics, part of Exact Sciences
Classification: Likely benign for SLC39A4-related condition. Last evaluated: 2023-08-06. Review status: no assertion criteria provided. Collection method: clinical testing. Allele origin: germline. Not counted in ClinVar's aggregate classification.
Comment: This variant is classified as likely benign based on ACMG/AMP sequence variant interpretation guidelines (Richards et al. 2015 PMID: 25741868, with internal and published modifications).

Natera, Inc.
Classification: Benign for Acrodermatitis enteropathica. Last evaluated: 2020-09-16. Review status: no assertion criteria provided. Collection method: clinical testing. Allele origin: germline. Not counted in ClinVar's aggregate classification.

NM_130849.4(SLC39A4):c.225C>T (p.Gly75=)

Gene: SLC39A4 (solute carrier family 39 member 4; minus strand). Cytogenetic location: 8q24.3.
Variant type: single nucleotide variant.
Coding change: c.225C>T on transcript NM_130849.4 (MANE Select); coding-DNA position 225, C replaced by T.
Protein change: p.Gly75=; no amino-acid change (glycine 75 retained).
Molecular consequence: synonymous variant. On other transcripts: intron variant (1).
Genome position (GRCh38, 1-based): chr8:144,416,059, G>A on the plus strand (C>T on the coding strand, the complement: SLC39A4 is on the minus strand). VCF-style: chr8-144416059-G-A. GRCh37 (hg19) VCF-style: chr8-145641443-G-A.
Other names: c.150C>T, p.Gly50= (NM_017767.3); c.192+539C>T (NM_001374839.1).
Identifiers: ClinVar variation 756692 (VCV000756692.14), dbSNP rs376105192, ClinGen allele CA4941765.